The following is an entry in ClinVar:

NM_017780.4(CHD7):c.6070C>T (p.Arg2024Ter)

Gene: CHD7 (chromodomain helicase DNA binding protein 7; plus strand). Cytogenetic location: 8q12.2.
Variant type: single nucleotide variant.
Coding change: c.6070C>T on transcript NM_017780.4 (MANE Select); coding-DNA position 6070, C replaced by T.
Protein change: p.Arg2024Ter; replaces arginine 2024 with a stop codon.
Molecular consequence: nonsense. On other transcripts: intron variant (1).
Genome position (GRCh38, 1-based): chr8:60,852,673, C>T. VCF-style: chr8-60852673-C-T. GRCh37 (hg19) VCF-style: chr8-61765232-C-T.
Other names: c.1717-9556C>T (NM_001316690.1); short protein forms R2024*.
Identifiers: ClinVar variation 547195 (VCV000547195.15), dbSNP rs1360515765, ClinGen allele CA371324068.
Genomic context (GRCh38, chr8:60,852,673, plus strand): 5'-GACAAAAAATCTGATGAGAGTTTGGAGAAATACTTCAGTTGTTTTGTGGCCATGTGTAGG[C>T]GAGTATGTCGAATGCCCGTCAAGCCAGATGATGGTAGGTACATTTAGCAACAAAGTTCTA-3'

ClinVar aggregate classification (germline): Pathogenic. Review status: criteria provided, multiple submitters, no conflicts (2 of 4 stars). 5 submissions from 5 submitters: Pathogenic (5). Last evaluated 2026-03-18.

Conditions:
CHD7-related disorder. Also called: CHD7-related condition.
Inborn genetic diseases. Identifiers: MedGen C0950123, MeSH D030342.
CHARGE syndrome (CHARGE). Also called: Hittner Hirsch Kreh syndrome; Coloboma, heart anomaly, choanal atresia, retardation, genital and ear anomalies; CHARGE association; Hall-Hittner syndrome; CHARGE ASSOCIATION--COLOBOMA, HEART ANOMALY, CHOANAL ATRESIA, RETARDATION, GENITAL AND EAR ANOMALIES. Identifiers: Orphanet 138, MedGen C0265354, MONDO:0008965.

Submissions (5):

PreventionGenetics, part of Exact Sciences
Classification: Pathogenic for CHD7-related condition. Last evaluated: 2026-03-18. Review status: criteria provided, single submitter. Criteria: ACMG Guidelines, 2015. Collection method: clinical testing. Allele origin: germline.
Comment: The CHD7 c.6070C>T variant is predicted to result in premature protein termination (p.Arg2024*). This variant has been reported as a recurrent de novo variant in several individuals with a diagnosis or a clinical phenotype consistent with CHARGE syndrome (see, for example, Vissers et al 2004. PubMed ID: 15300250; Sohn et al 2015. PubMed ID: 26538304; Wu et al. 2022. PubMed ID: 35938004; Wessels et al. 2010. PubMed ID: 20624498; Legendre et al. 2012. PubMed ID: 23024289). This variant has not been reported in a large population database, indicating this variant is rare. Nonsense variants in CHD7 are expected to be pathogenic. This variant is interpreted as pathogenic.

GeneDx
Classification: Pathogenic. Last evaluated: 2024-02-07. Review status: criteria provided, single submitter. Criteria: GeneDx Variant Classification Process June 2021. Collection method: clinical testing. Allele origin: germline. Affected: yes.
Comment: Not observed in large population cohorts (gnomAD); Nonsense variant predicted to result in protein truncation or nonsense mediated decay in a gene for which loss of function is a known mechanism of disease; This variant is associated with the following publications: (PMID: 25525159, 15300250, 26538304, 35938004, 31785789)

Ambry Genetics
Classification: Pathogenic for Inborn genetic diseases. Last evaluated: 2023-11-13. Review status: criteria provided, single submitter. Criteria: Ambry Variant Classification Scheme 2023. Collection method: clinical testing. Allele origin: germline.
Comment: The c.6070C>T (p.R2024*) alteration, located in exon 30 (coding exon 29) of the CHD7 gene, consists of a C to T substitution at nucleotide position 6070. This changes the amino acid from a arginine (R) to a stop codon at amino acid position 2024. This alteration is expected to result in loss of function by premature protein truncation or nonsense-mediated mRNA decay. This variant was not reported in population-based cohorts in the Genome Aggregation Database (gnomAD). This variant has been reported in multiple individuals with features consistent with CHARGE syndrome (Vissers, 2004; Legendre, 2012), including multiple de novo occurrences (Jongmans, 2009; Wessels, 2010; Wu, 2022). Based on the available evidence, this alteration is classified as pathogenic.

Labcorp Genetics (formerly Invitae), Labcorp
Classification: Pathogenic for CHARGE syndrome. Last evaluated: 2022-03-14. Review status: criteria provided, single submitter. Criteria: Invitae Variant Classification Sherloc (09022015). Collection method: clinical testing. Allele origin: germline.
Comment: This premature translational stop signal has been observed in individual(s) with CHARGE syndrome (PMID: 15300250, 26538304). In at least one individual the variant was observed to be de novo. For these reasons, this variant has been classified as Pathogenic. Algorithms developed to predict the effect of sequence changes on RNA splicing suggest that this variant may disrupt the consensus splice site. ClinVar contains an entry for this variant (Variation ID: 547195). This variant is not present in population databases (gnomAD no frequency). This sequence change creates a premature translational stop signal (p.Arg2024*) in the CHD7 gene. It is expected to result in an absent or disrupted protein product. Loss-of-function variants in CHD7 are known to be pathogenic (PMID: 22461308, 25077900).

Center for Human Genetics, Inc
Classification: Pathogenic for CHARGE syndrome. Last evaluated: 2016-11-01. Review status: criteria provided, single submitter. Criteria: ACMG Guidelines, 2015. Collection method: clinical testing. Allele origin: germline. Affected: yes.

Literature cited by the submitters: PubMed 15300250 (cited by Ambry Genetics and Labcorp Genetics (formerly Invitae), Labcorp); PubMed 19021638 (cited by Ambry Genetics); PubMed 20624498 (cited by Ambry Genetics); PubMed 23024289 (cited by Ambry Genetics); PubMed 35938004 (cited by Ambry Genetics); PubMed 26538304 (cited by Labcorp Genetics (formerly Invitae), Labcorp); PubMed 22461308 (cited by Labcorp Genetics (formerly Invitae), Labcorp); PubMed 25077900 (cited by Labcorp Genetics (formerly Invitae), Labcorp).